The following is an entry in ClinVar:

NM_152564.5(VPS13B):c.7247+2T>C

Gene: VPS13B (vacuolar protein sorting 13 homolog B; plus strand). Cytogenetic location: 8q22.2.
Variant type: single nucleotide variant.
Coding change: c.7247+2T>C on transcript NM_152564.5 (MANE Select); the canonical splice donor site of the intron after coding-DNA position 7247, T replaced by C.
Molecular consequence: splice donor variant.
Genome position (GRCh38, 1-based): chr8:99,766,972, T>C. VCF-style: chr8-99766972-T-C. GRCh37 (hg19) VCF-style: chr8-100779200-T-C.
Other names: NM_152564.5:c.7247+2T>C; c.7322+2T>C (NM_017890.5).
Identifiers: ClinVar variation 583375 (VCV000583375.11), dbSNP rs1563908020, ClinGen allele CA371874664.
Genomic context (GRCh38, chr8:99,766,972, plus strand): 5'-TCTTCAGATCTTTGGAGAATTGTCTTGAACAGCAGTCAAAATGGAGCTGATGACCAAAGG[T>C]AATTCATTGAAAGATGATATGGTAGCATTACACTGGGAAACAATGATAAGTCATCTTTTC-3'

ClinVar aggregate classification (germline): Pathogenic/Likely pathogenic. Review status: criteria provided, multiple submitters, no conflicts (2 of 4 stars). 2 submissions from 2 submitters: Pathogenic (1); Likely pathogenic (1). Last evaluated 2018-10-31.

Conditions:
Cohen syndrome (COH1). Also called: PEPPER SYNDROME; Cutis verticis gyrata, retinitis pigmentosa, and sensorineural deafness. Identifiers: Orphanet 193, MedGen C0265223, MONDO:0008999, OMIM 216550.

Allele frequency attached by ClinVar (database versions not stated): gnomAD exomes below 0.00001.
gnomAD v4.1: 1 of 1,613,344 alleles (0.000062%); highest among the groups gnomAD compares: Non-Finnish European, 0.000085%; no homozygotes.

Submissions (4):

Fulgent Genetics
Classification: Likely pathogenic for Cohen syndrome. Last evaluated: 2018-10-31. Review status: criteria provided, single submitter. Criteria: ACMG Guidelines, 2015. Collection method: clinical testing. Allele origin: unknown.

Labcorp Genetics (formerly Invitae), Labcorp
Classification: Pathogenic for Cohen syndrome. Last evaluated: 2018-02-26. Review status: criteria provided, single submitter. Criteria: Invitae Variant Classification Sherloc (09022015). Collection method: clinical testing. Allele origin: germline.
Comment: Algorithms developed to predict the effect of sequence changes on RNA splicing suggest that this variant may disrupt the consensus splice site, but this prediction has not been confirmed by published transcriptional studies. For these reasons, this variant has been classified as Pathogenic. Donor and acceptor splice site variants typically lead to a loss of protein function (PMID: 16199547), and loss-of-function variants in VPS13B are known to be pathogenic (PMID: 15141358, 16648375, 20461111). This variant is reported to be combination with another VPS13B variant in an individual with features consistent with Cohen syndrome (Invitae). This variant is not present in population databases (ExAC no frequency). This sequence change affects a donor splice site in intron 40 of the VPS13B gene. It is expected to disrupt RNA splicing and likely results in an absent or disrupted protein product.

Dr. Peter K. Rogan Lab, Western University
No classification provided (evidence only). Condition: Colon adenocarcinoma. Review status: no classification provided. Collection method: in vitro. Allele origin: not applicable. Functional consequence: retained intron. Not counted in ClinVar's aggregate classification.

MutSpliceDB: a database of splice sites variants effects on splicing, NIH
No classification provided (evidence only). Review status: no classification provided. Collection method: in vivo. Allele origin: not applicable. Functional consequence: retained intron. Not counted in ClinVar's aggregate classification.

Literature cited by the submitters: PubMed 16199547 (cited by Labcorp Genetics (formerly Invitae), Labcorp); PubMed 15141358 (cited by Labcorp Genetics (formerly Invitae), Labcorp); PubMed 16648375 (cited by Labcorp Genetics (formerly Invitae), Labcorp); PubMed 20461111 (cited by Labcorp Genetics (formerly Invitae), Labcorp).